The following is an entry in ClinVar:

NM_003356.4(UCP3):c.484A>G (p.Thr162Ala)

Gene: UCP3 (uncoupling protein 3; minus strand). Cytogenetic location: 11q13.4.
Variant type: single nucleotide variant.
Coding change: c.484A>G on transcript NM_003356.4 (MANE Select); coding-DNA position 484, A replaced by G.
Protein change: p.Thr162Ala; replaces threonine 162 with alanine.
Molecular consequence: missense variant.
Genome position (GRCh38, 1-based): chr11:74,005,787, T>C on the plus strand (A>G on the coding strand, the complement: UCP3 is on the minus strand). VCF-style: chr11-74005787-T-C. GRCh37 (hg19) VCF-style: chr11-73716832-T-C.
Other names: c.484A>G, p.Thr162Ala (NM_022803.3); short protein forms T162A.
Identifiers: ClinVar variation 3357685 (VCV003357685.1).
Genomic context (GRCh38, chr11:74,005,787, plus strand): 5'-TACCTTTCCACAGGCCCCTGACTCCTTCCTCCCTGGCGATGGTTCTGTAGGCGTCCATAG[T>C]CCCGCTGTATTTTCTGTCGCTCCTGGATGGCCCGAGGTGTATGCTGGCCTGAAATCGGAC-3'
Protein context (NP_003347.1, residues 152-172): PSRSDRKYSG[Thr162Ala]MDAYRTIARE

ClinVar aggregate classification (germline): Uncertain significance (0 of 4 stars; one submission).

Conditions:
UCP3-related disorder. Also called: UCP3-related condition.

gnomAD v4.1: 6 of 1,614,154 alleles (0.00037%); highest among the groups gnomAD compares: Admixed American, 0.0033%; no homozygotes.

Submission:

PreventionGenetics, part of Exact Sciences
Classification: Uncertain significance for UCP3-related condition. Last evaluated: 2024-07-08. Review status: no assertion criteria provided. Collection method: clinical testing. Allele origin: germline.
Comment: The UCP3 c.484A>G variant is predicted to result in the amino acid substitution p.Thr162Ala. To our knowledge, this variant has not been reported in the literature. This variant is reported in 0.0029% of alleles in individuals of Latino descent in gnomAD. At this time, the clinical significance of this variant is uncertain due to the absence of conclusive functional and genetic evidence.